The following is an entry in ClinVar:

NM_002474.3(MYH11):c.2082G>A (p.Leu694=)

Gene: MYH11 (myosin heavy chain 11; minus strand). Cytogenetic location: 16p13.11.
Variant type: single nucleotide variant.
Coding change: c.2082G>A on transcript NM_002474.3 (MANE Select); coding-DNA position 2082, G replaced by A.
Protein change: p.Leu694=; no amino-acid change (leucine 694 retained).
Molecular consequence: synonymous variant.
Genome position (GRCh38, 1-based): chr16:15,748,145, C>T on the plus strand (G>A on the coding strand, the complement: MYH11 is on the minus strand). VCF-style: chr16-15748145-C-T. GRCh37 (hg19) VCF-style: chr16-15842002-C-T.
Other names: c.2103G>A, p.Leu701= (NM_001040113.2, NM_001040114.2); c.2082G>A, p.Leu694= (NM_022844.3).
Identifiers: ClinVar variation 1329442 (VCV001329442.9), dbSNP rs370934806, ClinGen allele CA7922391.

ClinVar aggregate classification (germline): Conflicting classifications of pathogenicity. Review status: criteria provided, conflicting classifications (1 of 4 stars). 5 submissions from 5 submitters: Uncertain significance (1); Likely benign (4). Last evaluated 2026-01-16.

Conditions:
Aortic aneurysm, familial thoracic 4 (AAT4). Also called: AORTIC ANEURYSM/AORTIC DISSECTION AND PATENT DUCTUS ARTERIOSUS. Identifiers: MedGen C1851504, MONDO:0007568, OMIM 132900.
Visceral myopathy 2. Identifiers: MedGen C5543466, MONDO:0859157, OMIM 619350.
Megacystis-microcolon-intestinal hypoperistalsis syndrome 2. Identifiers: MedGen C5543476, MONDO:0025708, OMIM 619351.
Familial thoracic aortic aneurysm and aortic dissection (TAAD). Also called: Thoracic aortic aneurysms and dissections. Identifiers: Orphanet 91387, MedGen C4707243, MONDO:0019625.

Allele frequency attached by ClinVar (database versions not stated): ExAC 0.00003; 1000 Genomes Project 30x 0.00031; 1000 Genomes Project 0.00040; gnomAD exomes below 0.00001 and 0.00002.
gnomAD v4.1: 9 of 1,613,984 alleles (0.00056%); highest among the groups gnomAD compares: South Asian, 0.0099%; no homozygotes.

Submissions (5):

Labcorp Genetics (formerly Invitae), Labcorp
Classification: Likely benign for Aortic aneurysm, familial thoracic 4. Last evaluated: 2026-01-16. Review status: criteria provided, single submitter. Criteria: Invitae Variant Classification Sherloc (09022015). Collection method: clinical testing. Allele origin: germline.

All of Us Research Program, National Institutes of Health
Classification: Uncertain significance for Familial thoracic aortic aneurysm and aortic dissection. Last evaluated: 2023-08-08. Review status: criteria provided, single submitter. Criteria: ACMG Guidelines, 2015. Collection method: clinical testing. Allele origin: germline. Inheritance: Autosomal dominant inheritance. Observed: 1 variant allele, 1 heterozygote.
Comment: This variant is located in the MYH11 protein. To our knowledge, functional studies have not been reported for this variant. This variant has not been reported in individuals affected with MYH11-related disorders in the literature. This variant has been identified in 5/251036 chromosomes in the general population by the Genome Aggregation Database (gnomAD). The available evidence is insufficient to determine the role of this variant in disease conclusively. Therefore, this variant is classified as a Variant of Uncertain Significance.

This study involves interpretation of variants in research participants for the purpose of population health screening. Participant phenotype was not available at the time of variant classification. Additional details can be found in publication PMID: 35346344, PMCID: PMC8962531

Ambry Genetics
Classification: Likely benign for Familial thoracic aortic aneurysm and aortic dissection. Last evaluated: 2022-09-26. Review status: criteria provided, single submitter. Criteria: Ambry Variant Classification Scheme 2023. Collection method: clinical testing. Allele origin: germline.

Fulgent Genetics
Classification: Likely benign for Aortic aneurysm, familial thoracic 4; Visceral myopathy 2; Megacystis-microcolon-intestinal hypoperistalsis syndrome 2. Last evaluated: 2021-09-13. Review status: criteria provided, single submitter. Criteria: ACMG Guidelines, 2015. Collection method: clinical testing. Allele origin: unknown.

CHEO Genetics Diagnostic Laboratory, Children's Hospital of Eastern Ontario
Classification: Likely benign for Familial thoracic aortic aneurysm and aortic dissection. Last evaluated: 2020-04-27. Review status: criteria provided, single submitter. Criteria: ACMG Guidelines, 2015. Collection method: clinical testing. Allele origin: germline.